The following is an entry in ClinVar:

NM_178857.6(RP1L1):c.1221C>A (p.Ile407=)

Gene: RP1L1 (RP1 like 1). Cytogenetic location: 8p23.1.
Variant type: single nucleotide variant.
Coding change: c.1221C>A on transcript NM_178857.6 (MANE Select); coding-DNA position 1221, C replaced by A.
Protein change: p.Ile407=; no amino-acid change (isoleucine 407 retained).
Molecular consequence: synonymous variant.
Genome position (GRCh38, 1-based): chr8:10,612,877, G>T on the plus strand (C>A on the coding strand, the complement: RP1L1 is on the minus strand). VCF-style: chr8-10612877-G-T. GRCh37 (hg19) VCF-style: chr8-10470387-G-T.
Identifiers: ClinVar variation 4281459 (VCV004281459.7).

ClinVar aggregate classification (germline): Likely benign (1 of 4 stars; one submission).

Submission:

CeGaT Center for Human Genetics Tuebingen
Classification: Likely benign. Last evaluated: 2025-09-01. Review status: criteria provided, single submitter. Criteria: CeGaT Center For Human Genetics Tuebingen Variant Classification Criteria Version 2. Collection method: clinical testing. Allele origin: germline. Affected: yes. Observed: 1 variant allele.
Comment: RP1L1: BP4, BP7